The following is an entry in ClinVar:

ClinVar aggregate classification (germline): Uncertain significance. Review status: criteria provided, multiple submitters, no conflicts (2 of 4 stars). 2 submissions from 2 submitters: Uncertain significance (2). Last evaluated 2022-04-15.

Conditions:
Cardiovascular phenotype. Identifiers: MedGen CN230736.
Long QT syndrome (LQTS). Identifiers: MedGen C0023976, MeSH D008133, MONDO:0002442. Disease mechanism: loss of function. Inheritance: Various modes of inheritance.

Allele frequency attached by ClinVar (database versions not stated): gnomAD exomes below 0.00001.
gnomAD v4.1: 1 of 1,613,978 alleles (0.000062%); highest among the groups gnomAD compares: African/African-American, 0.0013%; no homozygotes.

Submissions (2):

Labcorp Genetics (formerly Invitae), Labcorp
Classification: Uncertain significance for Long QT syndrome. Last evaluated: 2022-04-15. Review status: criteria provided, single submitter. Criteria: Invitae Variant Classification Sherloc (09022015). Collection method: clinical testing. Allele origin: germline.
Comment: This sequence change replaces methionine, which is neutral and non-polar, with arginine, which is basic and polar, at codon 3743 of the AKAP9 protein (p.Met3743Arg). In summary, the available evidence is currently insufficient to determine the role of this variant in disease. Therefore, it has been classified as a Variant of Uncertain Significance. Algorithms developed to predict the effect of missense changes on protein structure and function are either unavailable or do not agree on the potential impact of this missense change (SIFT: "Deleterious"; PolyPhen-2: "Probably Damaging"; Align-GVGD: "Class C0"). This variant has not been reported in the literature in individuals affected with AKAP9-related conditions. This variant is not present in population databases (gnomAD no frequency).

Ambry Genetics
Classification: Uncertain significance for Cardiovascular phenotype. Last evaluated: 2020-10-13. Review status: criteria provided, single submitter. Criteria: Ambry Variant Classification Scheme 2023. Collection method: clinical testing. Allele origin: germline.
Comment: The p.M3743R variant (also known as c.11228T>G), located in coding exon 46 of the AKAP9 gene, results from a T to G substitution at nucleotide position 11228. The methionine at codon 3743 is replaced by arginine, an amino acid with similar properties. This amino acid position is highly conserved in available vertebrate species. In addition, the in silico prediction for this alteration is inconclusive. Since supporting evidence is limited at this time, the clinical significance of this alteration remains unclear.

NM_005751.5(AKAP9):c.11228T>G (p.Met3743Arg)

Gene: AKAP9 (A-kinase anchoring protein 9; plus strand). Cytogenetic location: 7q21.2.
Variant type: single nucleotide variant.
Coding change: c.11228T>G on transcript NM_005751.5 (MANE Select); coding-DNA position 11228, T replaced by G.
Protein change: p.Met3743Arg; replaces methionine 3743 with arginine.
Molecular consequence: missense variant.
Genome position (GRCh38, 1-based): chr7:92,102,724, T>G. VCF-style: chr7-92102724-T-G. GRCh37 (hg19) VCF-style: chr7-91732038-T-G.
Other names: c.5873T>G, p.Met1958Arg (NM_001379277.1); c.11204T>G, p.Met3735Arg (NM_147185.3); short protein forms M1958R, M3743R, M3735R.
Identifiers: ClinVar variation 1798046 (VCV001798046.7), dbSNP rs1817777006, ClinGen allele CA368162464.